The following is an entry in ClinVar:

ClinVar aggregate classification (germline): Uncertain significance (1 of 4 stars; one submission).

Submission:

Labcorp Genetics (formerly Invitae), Labcorp
Classification: Uncertain significance. Last evaluated: 2025-02-04. Review status: criteria provided, single submitter. Criteria: Invitae Variant Classification Sherloc (09022015). Collection method: clinical testing. Allele origin: germline.
Comment: This sequence change falls in intron 17 of the ADGRE2 gene. It does not directly change the encoded amino acid sequence of the ADGRE2 protein. This variant is not present in population databases (gnomAD no frequency). This variant has not been reported in the literature in individuals affected with ADGRE2-related conditions. Algorithms developed to predict the effect of sequence changes on RNA splicing suggest that this variant may disrupt the consensus splice site. In summary, the available evidence is currently insufficient to determine the role of this variant in disease. Therefore, it has been classified as a Variant of Uncertain Significance.

NM_013447.4(ADGRE2):c.2092-10T>C

Gene: ADGRE2 (adhesion G protein-coupled receptor E2; minus strand). Cytogenetic location: 19p13.12.
Variant type: single nucleotide variant.
Coding change: c.2092-10T>C on transcript NM_013447.4 (MANE Select); 10 bases into the intron before coding-DNA position 2092, T replaced by C.
Molecular consequence: intron variant.
Genome position (GRCh38, 1-based): chr19:14,746,333, A>G on the plus strand (T>C on the coding strand, the complement: ADGRE2 is on the minus strand). VCF-style: chr19-14746333-A-G. GRCh37 (hg19) VCF-style: chr19-14857145-A-G.
Other names: c.1813-10T>C (NM_152917.2); c.1945-10T>C (NM_152916.2); c.1918-10T>C (NM_001271052.1).
Identifiers: ClinVar variation 4712346 (VCV004712346.1).